The following is an entry in ClinVar:

ClinVar aggregate classification (germline): Uncertain significance. Review status: criteria provided, multiple submitters, no conflicts (2 of 4 stars). 2 submissions from 2 submitters: Uncertain significance (2). Last evaluated 2024-06-17.

Conditions:
Joubert syndrome. Also called: CEREBELLOPARENCHYMAL DISORDER IV; JOUBERT-BOLTSHAUSER SYNDROME; Familial aplasia of the vermis. Identifiers: Orphanet 475, MedGen C5979921, MONDO:0018772.
Nephronophthisis. Also called: Juvenile Nephronophthisis. Identifiers: Orphanet 655, MedGen C0687120, MONDO:0019005, HP:0000090.
Meckel-Gruber syndrome. Also called: DYSENCEPHALIA SPLANCHNOCYSTICA; GRUBER SYNDROME; Dysencephalia splachnocystica. Identifiers: Orphanet 564, MedGen C0265215, MONDO:0018921.
Senior-Loken syndrome 6 (SLSN6). Identifiers: Orphanet 3156, MedGen C1857779, MONDO:0012433, OMIM 610189.
Joubert syndrome 5 (JBTS5). Identifiers: Orphanet 2318, MedGen C1857780, MONDO:0012432, OMIM 610188.
Bardet-Biedl syndrome 14 (BBS14). Identifiers: Orphanet 110, MedGen C2673874, MONDO:0014442, OMIM 615991.
Leber congenital amaurosis 10 (LCA10). Identifiers: Orphanet 65, MedGen C1857821, MONDO:0012723, OMIM 611755.
Meckel syndrome, type 4 (MKS4). Also called: MECKEL-GRUBER SYNDROME, TYPE 4. Identifiers: Orphanet 564, MedGen C1970161, MONDO:0012626, OMIM 611134.

Allele frequency attached by ClinVar (database versions not stated): gnomAD exomes below 0.00001.
gnomAD v4.1: 1 of 1,559,898 alleles (0.000064%); highest among the groups gnomAD compares: Non-Finnish European, 0.000087%; no homozygotes.

Submissions (2):

Fulgent Genetics
Classification: Uncertain significance for Joubert syndrome 5; Senior-Loken syndrome 6; Meckel syndrome, type 4; Leber congenital amaurosis 10; Bardet-Biedl syndrome 14. Last evaluated: 2024-06-17. Review status: criteria provided, single submitter. Criteria: ACMG Guidelines, 2015. Collection method: clinical testing. Allele origin: germline.

Labcorp Genetics (formerly Invitae), Labcorp
Classification: Uncertain significance for Joubert syndrome; Meckel-Gruber syndrome; Nephronophthisis. Last evaluated: 2022-07-14. Review status: criteria provided, single submitter. Criteria: Invitae Variant Classification Sherloc (09022015). Collection method: clinical testing. Allele origin: germline.
Comment: This sequence change replaces leucine, which is neutral and non-polar, with phenylalanine, which is neutral and non-polar, at codon 594 of the CEP290 protein (p.Leu594Phe). The frequency data for this variant in the population databases is considered unreliable, as metrics indicate poor data quality at this position in the gnomAD database. This variant has not been reported in the literature in individuals affected with CEP290-related conditions. ClinVar contains an entry for this variant (Variation ID: 1393102). Algorithms developed to predict the effect of missense changes on protein structure and function output the following: SIFT: "Tolerated"; PolyPhen-2: "Benign"; Align-GVGD: "Class C0". The phenylalanine amino acid residue is found in multiple mammalian species, which suggests that this missense change does not adversely affect protein function. Algorithms developed to predict the effect of sequence changes on RNA splicing suggest that this variant may disrupt the consensus splice site. In summary, the available evidence is currently insufficient to determine the role of this variant in disease. Therefore, it has been classified as a Variant of Uncertain Significance.

NM_025114.4(CEP290):c.1782G>T (p.Leu594Phe)

Gene: CEP290 (centrosomal protein 290; minus strand). Cytogenetic location: 12q21.32.
Variant type: single nucleotide variant.
Coding change: c.1782G>T on transcript NM_025114.4 (MANE Select); coding-DNA position 1782, G replaced by T.
Protein change: p.Leu594Phe; replaces leucine 594 with phenylalanine.
Molecular consequence: missense variant.
Genome position (GRCh38, 1-based): chr12:88,117,075, C>A on the plus strand (G>T on the coding strand, the complement: CEP290 is on the minus strand). VCF-style: chr12-88117075-C-A. GRCh37 (hg19) VCF-style: chr12-88510852-C-A.
Other names: short protein forms L594F.
Identifiers: ClinVar variation 1393102 (VCV001393102.9), dbSNP rs1283118657, ClinGen allele CA385978141.